The following is an entry in ClinVar:

NM_031433.4(MFRP):c.95C>T (p.Pro32Leu)

Genes: C1QTNF5 (C1q and TNF related 5; minus strand), MFRP (membrane frizzled-related protein; minus strand). Cytogenetic location: 11q23.3.
Variant type: single nucleotide variant.
Coding change: c.95C>T on transcript NM_031433.4 (MANE Select); coding-DNA position 95, C replaced by T.
Protein change: p.Pro32Leu; replaces proline 32 with leucine.
Molecular consequence: missense variant. On other transcripts: 5 prime UTR variant (1).
Genome position (GRCh38, 1-based): chr11:119,346,334, G>A on the plus strand (C>T on the coding strand, the complement: MFRP is on the minus strand). VCF-style: chr11-119346334-G-A. GRCh37 (hg19) VCF-style: chr11-119217044-G-A.
Other names: c.-2542C>T (NM_015645.5); short protein forms P32L.
Identifiers: ClinVar variation 1385864 (VCV001385864.5), dbSNP rs200325731, ClinGen allele CA6320709.

ClinVar aggregate classification (germline): Uncertain significance (1 of 4 stars; one submission).

Conditions:
Isolated microphthalmia 5. Also called: Posterior Microphthalmia with Retinitis Pigmentosa, Foveoschisis, and Optic Disc Drusen. Identifiers: Orphanet 251279, MedGen C1970236, MONDO:0012605, OMIM 611040.

Allele frequency attached by ClinVar (database versions not stated): gnomAD 0.00001; 1000 Genomes Project 0.00020; TOPMed 0.00002; ExAC 0.00003; gnomAD exomes 0.00005 and 0.00003; 1000 Genomes Project 30x 0.00016.
gnomAD v4.1: 17 of 1,614,050 alleles (0.0011%); highest among the groups gnomAD compares: Admixed American, 0.028%; no homozygotes.

Submission:

Labcorp Genetics (formerly Invitae), Labcorp
Classification: Uncertain significance for Isolated microphthalmia 5. Last evaluated: 2024-02-24. Review status: criteria provided, single submitter. Criteria: Invitae Variant Classification Sherloc (09022015). Collection method: clinical testing. Allele origin: germline.
Comment: This sequence change replaces proline, which is neutral and non-polar, with leucine, which is neutral and non-polar, at codon 32 of the MFRP protein (p.Pro32Leu). The frequency data for this variant in the population databases is considered unreliable, as metrics indicate poor data quality at this position in the gnomAD database. This variant has not been reported in the literature in individuals affected with MFRP-related conditions. ClinVar contains an entry for this variant (Variation ID: 1385864). Advanced modeling of protein sequence and biophysical properties (such as structural, functional, and spatial information, amino acid conservation, physicochemical variation, residue mobility, and thermodynamic stability) performed at Invitae indicates that this missense variant is not expected to disrupt MFRP protein function with a negative predictive value of 80%. In summary, the available evidence is currently insufficient to determine the role of this variant in disease. Therefore, it has been classified as a Variant of Uncertain Significance.